The following is an entry in ClinVar:

ClinVar aggregate classification (germline): Uncertain significance (1 of 4 stars; one submission).

Conditions:
Hereditary cancer-predisposing syndrome. Also called: Tumor predisposition; Hereditary Cancer Syndrome; Neoplastic Syndromes, Hereditary; Hereditary neoplastic syndrome. Identifiers: Orphanet 140162, MedGen C0027672, MeSH D009386, MONDO:0015356.

Submission:

Ambry Genetics
Classification: Uncertain significance for Hereditary cancer-predisposing syndrome. Last evaluated: 2026-06-16. Review status: criteria provided, single submitter. Criteria: Ambry Variant Classification Scheme 2023. Collection method: clinical testing. Allele origin: germline.
Comment: The p.F76I variant (also known as c.226T>A), located in coding exon 1 of the VHL gene, results from a T to A substitution at nucleotide position 226. The phenylalanine at codon 76 is replaced by isoleucine, an amino acid with highly similar properties. This alteration has been reported in two members of a VHL family affected with hemangioblastomas of the brain. Neither patient had angiomas, RCC, or pheochromocytomas (Chen F et al. Hum. Mutat., 1995;5:66-75; Gallou C et al. Hum. Mutat., 1999;13:464-75; Zbar B et al. Hum. Mutat., 1996;8:348-57). Of note, this alteration is also known as 439T>A in published literature. Based on internal structural analysis, this variant is anticipated to result in a significant decrease in structural stability (Ambry internal data). This amino acid position is highly conserved in available vertebrate species. In addition, this alteration is predicted to be deleterious by in silico analysis. However, in functional studies, this variant was determined to be functionally neutral in one saturation genome editing assay (Buckley M et al. Nat Genet, 2024 Jul;56:1446-1455). Based on the available evidence, the clinical significance of this variant remains unclear.

Literature cited by the submitters: PubMed 10408776; PubMed 11739384; PubMed 38969834; PubMed 7728151; PubMed 8956040.

NM_000551.4(VHL):c.226T>A (p.Phe76Ile)

Gene: VHL (von Hippel-Lindau tumor suppressor; plus strand). Cytogenetic location: 3p25.3.
Variant type: single nucleotide variant.
Coding change: c.226T>A on transcript NM_000551.4 (MANE Select); coding-DNA position 226, T replaced by A.
Protein change: p.Phe76Ile; replaces phenylalanine 76 with isoleucine.
Molecular consequence: missense variant.
Genome position (GRCh38, 1-based): chr3:10,142,073, T>A. VCF-style: chr3-10142073-T-A. GRCh37 (hg19) VCF-style: chr3-10183757-T-A.
Other names: c.226T>A, p.Phe76Ile (NM_001354723.2, NM_198156.3); short protein forms F76I.
Identifiers: ClinVar variation 820994 (VCV000820994.5), dbSNP rs1559425911, ClinGen allele CA351749221.